The following is an entry in ClinVar:

NM_014845.6(FIG4):c.52T>C (p.Tyr18His)

Gene: FIG4 (FIG4 phosphoinositide 5-phosphatase; plus strand). Cytogenetic location: 6q21.
Variant type: single nucleotide variant.
Coding change: c.52T>C on transcript NM_014845.6 (MANE Select); coding-DNA position 52, T replaced by C.
Protein change: p.Tyr18His; replaces tyrosine 18 with histidine.
Molecular consequence: missense variant.
Genome position (GRCh38, 1-based): chr6:109,691,487, T>C. VCF-style: chr6-109691487-T-C. GRCh37 (hg19) VCF-style: chr6-110012690-T-C.
Other names: short protein forms Y18H.
Identifiers: ClinVar variation 856733 (VCV000856733.10), dbSNP rs1774396046, ClinGen allele CA365206760.

ClinVar aggregate classification (germline): Uncertain significance. Review status: criteria provided, multiple submitters, no conflicts (2 of 4 stars). 2 submissions from 2 submitters: Uncertain significance (2). Last evaluated 2022-03-16.

Conditions:
Charcot-Marie-Tooth disease type 4. Also called: Charcot-Marie-Tooth disease, type IV; Charcot-Marie-Tooth, Type 4. Identifiers: Orphanet 64749, MedGen C4082197, MONDO:0018995.
Inborn genetic diseases. Identifiers: MedGen C0950123, MeSH D030342.

Allele frequency attached by ClinVar (database versions not stated): gnomAD 0.00001; TOPMed 0.00001.
gnomAD v4.1: 10 of 1,582,188 alleles (0.00063%); highest among the groups gnomAD compares: Middle Eastern, 0.017%; no homozygotes.

Submissions (2):

Labcorp Genetics (formerly Invitae), Labcorp
Classification: Uncertain significance for Charcot-Marie-Tooth disease type 4. Last evaluated: 2022-03-16. Review status: criteria provided, single submitter. Criteria: Invitae Variant Classification Sherloc (09022015). Collection method: clinical testing. Allele origin: germline.
Comment: In summary, the available evidence is currently insufficient to determine the role of this variant in disease. Therefore, it has been classified as a Variant of Uncertain Significance. Algorithms developed to predict the effect of missense changes on protein structure and function are either unavailable or do not agree on the potential impact of this missense change (SIFT: "Deleterious"; PolyPhen-2: "Possibly Damaging"; Align-GVGD: "Class C0"). This sequence change replaces tyrosine, which is neutral and polar, with histidine, which is basic and polar, at codon 18 of the FIG4 protein (p.Tyr18His). This variant is not present in population databases (gnomAD no frequency). This variant has not been reported in the literature in individuals affected with FIG4-related conditions. ClinVar contains an entry for this variant (Variation ID: 856733).

Ambry Genetics
Classification: Uncertain significance for Inborn genetic diseases. Last evaluated: 2022-01-27. Review status: criteria provided, single submitter. Criteria: Ambry Variant Classification Scheme 2023. Collection method: clinical testing. Allele origin: germline.
Comment: The p.Y18H variant (also known as c.52T>C), located in coding exon 1 of the FIG4 gene, results from a T to C substitution at nucleotide position 52. The tyrosine at codon 18 is replaced by histidine, an amino acid with similar properties. This amino acid position is highly conserved in available vertebrate species. In addition, this alteration is predicted to be deleterious by in silico analysis. Since supporting evidence is limited at this time, the clinical significance of this alteration remains unclear.